The following is an entry in ClinVar:

NM_001297.5(CNGB1):c.2958C>T (p.Asn986=)

Gene: CNGB1 (cyclic nucleotide gated channel subunit beta 1; minus strand). Cytogenetic location: 16q21.
Variant type: single nucleotide variant.
Coding change: c.2958C>T on transcript NM_001297.5 (MANE Select); coding-DNA position 2958, C replaced by T.
Protein change: p.Asn986=; no amino-acid change (asparagine 986 retained).
Molecular consequence: synonymous variant.
Genome position (GRCh38, 1-based): chr16:57,901,370, G>A on the plus strand (C>T on the coding strand, the complement: CNGB1 is on the minus strand). VCF-style: chr16-57901370-G-A. GRCh37 (hg19) VCF-style: chr16-57935274-G-A.
Other names: c.2940C>T, p.Asn980= (NM_001286130.2).
Identifiers: ClinVar variation 810950 (VCV000810950.22), dbSNP rs543509332, ClinGen allele CA8082754.

ClinVar aggregate classification (germline): Conflicting classifications of pathogenicity. Review status: criteria provided, conflicting classifications (1 of 4 stars). 6 submissions from 6 submitters: Uncertain significance (1); Likely benign (5). Last evaluated 2025-07-28.

Conditions:
Inborn genetic diseases. Identifiers: MedGen C0950123, MeSH D030342.
CNGB1-related disorder. Also called: CNGB1-related condition.
Retinitis pigmentosa (RP). Identifiers: Orphanet 791, MedGen C0035334, MeSH D012174, MONDO:0019200, OMIM 268000. Inheritance: Autosomal dominant, autosomal recessive and X linked inheritance.
Retinitis pigmentosa 45 (RP45). Identifiers: Orphanet 791, MedGen C3151066, MONDO:0013413, OMIM 613767.

Allele frequency attached by ClinVar (database versions not stated): gnomAD 0.00005 and 0.00006; ExAC 0.00007; gnomAD exomes 0.00007; TOPMed 0.00009; 1000 Genomes Project 30x 0.00016; 1000 Genomes Project 0.00020.

Submissions (6):

Labcorp Genetics (formerly Invitae), Labcorp
Classification: Likely benign. Last evaluated: 2025-07-28. Review status: criteria provided, single submitter. Criteria: Invitae Variant Classification Sherloc (09022015). Collection method: clinical testing. Allele origin: germline.

Ambry Genetics
Classification: Likely benign for Inborn genetic diseases. Last evaluated: 2025-04-10. Review status: criteria provided, single submitter. Criteria: Ambry Variant Classification Scheme 2023. Collection method: clinical testing. Allele origin: germline.

PreventionGenetics, part of Exact Sciences
Classification: Likely benign for CNGB1-related condition. Last evaluated: 2025-03-31. Review status: criteria provided, single submitter. Criteria: ACMG Guidelines, 2015. Collection method: clinical testing. Allele origin: germline.
Comment: This variant is classified as likely benign based on ACMG/AMP sequence variant interpretation guidelines (Richards et al. 2015 PMID: 25741868, with internal and published modifications).

Blueprint Genetics
Classification: Likely benign. Last evaluated: 2024-03-08. Review status: criteria provided, single submitter. Criteria: ACMG Guidelines, 2015. Collection method: clinical testing. Allele origin: germline.

ARUP Laboratories, Molecular Genetics and Genomics, ARUP Laboratories
Classification: Likely benign for Retinitis pigmentosa 45. Last evaluated: 2019-04-09. Review status: criteria provided, single submitter. Criteria: ARUP Molecular Germline Variant Investigation Process. Collection method: clinical testing. Allele origin: germline.

Illumina Laboratory Services, Illumina
Classification: Uncertain significance for Retinitis pigmentosa. Last evaluated: 2017-04-28. Review status: criteria provided, single submitter. Criteria: ICSL Variant Classification Criteria 13 December 2019. Collection method: clinical testing. Allele origin: germline.